The following is an entry in ClinVar:

ClinVar aggregate classification (germline): Uncertain significance (1 of 4 stars; one submission).

Conditions:
Inborn genetic diseases. Identifiers: MedGen C0950123, MeSH D030342.

Submission:

Ambry Genetics
Classification: Uncertain significance for Inborn genetic diseases. Last evaluated: 2026-08-22. Review status: criteria provided, single submitter. Criteria: Ambry Variant Classification Scheme 2023. Collection method: clinical testing. Allele origin: germline.
Comment: The p.Y409D variant (also known as c.1225T>G), located in coding exon 1 of the SAMD9 gene, results from a T to G substitution at nucleotide position 1225. The tyrosine at codon 409 is replaced by aspartic acid, an amino acid with highly dissimilar properties. This amino acid position is conserved. In addition, this alteration is predicted to be tolerated by in silico analysis. Based on the available evidence, the clinical significance of this variant remains unclear.

NM_017654.4(SAMD9):c.1225T>G (p.Tyr409Asp)

Gene: SAMD9 (sterile alpha motif domain containing 9; minus strand). Cytogenetic location: 7q21.2.
Variant type: single nucleotide variant.
Coding change: c.1225T>G on transcript NM_017654.4 (MANE Select); coding-DNA position 1225, T replaced by G.
Protein change: p.Tyr409Asp; replaces tyrosine 409 with aspartic acid.
Molecular consequence: missense variant.
Genome position (GRCh38, 1-based): chr7:93,104,873, A>C on the plus strand (T>G on the coding strand, the complement: SAMD9 is on the minus strand). VCF-style: chr7-93104873-A-C. GRCh37 (hg19) VCF-style: chr7-92734186-A-C.
Other names: c.1225T>G, p.Tyr409Asp (NM_001193307.2); short protein forms Y409D.
Identifiers: ClinVar variation 5028801 (VCV005028801.1).